The following is an entry in ClinVar:

ClinVar aggregate classification (germline): Uncertain significance (1 of 4 stars; one submission).

Submission:

Labcorp Genetics (formerly Invitae), Labcorp
Classification: Uncertain significance. Last evaluated: 2025-04-17. Review status: criteria provided, single submitter. Criteria: Invitae Variant Classification Sherloc (09022015). Collection method: clinical testing. Allele origin: germline.
Comment: This sequence change replaces alanine, which is neutral and non-polar, with threonine, which is neutral and polar, at codon 630 of the SMARCA2 protein (p.Ala630Thr). This variant is not present in population databases (gnomAD no frequency). This variant has not been reported in the literature in individuals affected with SMARCA2-related conditions. ClinVar contains an entry for this variant (Variation ID: 2033025). Invitae Evidence Modeling of protein sequence and biophysical properties (such as structural, functional, and spatial information, amino acid conservation, physicochemical variation, residue mobility, and thermodynamic stability) indicates that this missense variant is not expected to disrupt SMARCA2 protein function with a negative predictive value of 80%. In summary, the available evidence is currently insufficient to determine the role of this variant in disease. Therefore, it has been classified as a Variant of Uncertain Significance.

NM_003070.5(SMARCA2):c.1888G>A (p.Ala630Thr)

Gene: SMARCA2 (SWI/SNF related BAF chromatin remodeling complex subunit ATPase 2; plus strand). Cytogenetic location: 9p24.3.
Variant type: single nucleotide variant.
Coding change: c.1888G>A on transcript NM_003070.5 (MANE Select); coding-DNA position 1888, G replaced by A.
Protein change: p.Ala630Thr; replaces alanine 630 with threonine.
Molecular consequence: missense variant.
Genome position (GRCh38, 1-based): chr9:2,073,576, G>A. VCF-style: chr9-2073576-G-A. GRCh37 (hg19) VCF-style: chr9-2073576-G-A.
Other names: c.1888G>A, p.Ala630Thr (NM_001289396.2, NM_001289397.2, NM_139045.4); short protein forms A630T.
Identifiers: ClinVar variation 2033025 (VCV002033025.4), dbSNP rs2537310998, ClinGen allele CA372783244.